The following is an entry in ClinVar:

ClinVar aggregate classification (germline): Pathogenic (1 of 4 stars; one submission).

Conditions:
Hereditary spastic paraplegia 11. Also called: SPASTIC PARAPLEGIA, AUTOSOMAL RECESSIVE, COMPLICATED, WITH THIN CORPUS CALLOSUM; SPASTIC PARAPLEGIA, AUTOSOMAL RECESSIVE, WITH MENTAL IMPAIRMENT AND THIN CORPUS CALLOSUM; Spastic Paraplegia 11; Nakamura Osame syndrome; Autosomal recessive hereditary spastic paraplegia, mental impairment, and thin corpus callosum; Spastic paraplegia, mental retardation and thin corpus callosum. Identifiers: Orphanet 2822, MedGen C1858479, MONDO:0011445, OMIM 604360.

Submission:

Faculty of Science, Laboratory of Drosophila Research, School of Life Sciences, The Chinese University of Hong Kong, Hong Kong
Classification: Pathogenic for Hereditary spastic paraplegia 11. Last evaluated: 2016-05-28. Review status: criteria provided, single submitter. Criteria: ACMG Guidelines, 2015. Collection method: research. Allele origin: germline. Inheritance: Autosomal recessive inheritance. Affected: no and yes. Observed: 4 variant alleles, 2 heterozygotes, 2 compound heterozygotes.

NM_025137.3(SPG11):c.[2316+5G>A];[6856C>T]

Variant type: CompoundHeterozygote.
Identifiers: ClinVar variation 427826 (VCV000427826.3).